The following is an entry in ClinVar:

ClinVar aggregate classification (germline): Likely benign. Review status: criteria provided, single submitter (1 of 4 stars). 4 submissions from 1 submitter: Likely benign (4). Last evaluated 2017-04-27.

Conditions:
Gaucher disease due to saposin C deficiency. Also called: Atypical Gaucher disease due to saposin C deficiency; Saposin C Deficiency. Identifiers: Orphanet 309252, Orphanet 355, MedGen C1864651, MONDO:0012517, OMIM 610539.
Combined PSAP deficiency (PSAPD). Also called: COMBINED SAP DEFICIENCY; PROSAPOSIN DEFICIENCY; Encephalopathy due to prosaposin deficiency. Identifiers: Orphanet 139406, MedGen C2673635, MONDO:0012719, OMIM 611721.
Krabbe disease due to saposin A deficiency. Also called: Saposin A Deficiency; KRABBE DISEASE, ATYPICAL, DUE TO SAPOSIN A DEFICIENCY. Identifiers: Orphanet 487, MedGen C2673266, MONDO:0012720, OMIM 611722.
Sphingolipid activator protein 1 deficiency. Also called: Saposin B Deficiency; METACHROMATIC LEUKODYSTROPHY DUE TO CEREBROSIDE SULFATASE ACTIVATOR DEFICIENCY; Metachromatic leukodystrophy due to saposin B deficiency. Identifiers: Orphanet 512, MedGen C0268262, MONDO:0009590, OMIM 249900.

Allele frequency attached by ClinVar (database versions not stated): ESP Exome Variant Server 0.00010; gnomAD exomes 0.00015; ExAC 0.00027; gnomAD 0.00031 and 0.00035; TOPMed 0.00034; 1000 Genomes Project 0.00040; 1000 Genomes Project 30x 0.00062.
gnomAD v4.1: 139 of 1,550,038 alleles (0.009%); highest among the groups gnomAD compares: African/African-American, 0.046%; no homozygotes.

Submissions (4):

Illumina Laboratory Services, Illumina
Classification: Likely benign for Sphingolipid activator protein 1 deficiency. Last evaluated: 2017-04-27. Review status: criteria provided, single submitter. Criteria: ICSL Variant Classification Criteria 13 December 2019. Collection method: clinical testing. Allele origin: germline.
Comment: This variant was observed as part of a predisposition screen in an ostensibly healthy population. A literature search was performed for the gene, cDNA change, and amino acid change (where applicable). No publications were found based on this search. Allele frequency data from public databases allowed determination this variant is unlikely to cause disease. Therefore, this variant is classified as likely benign.

Illumina Laboratory Services, Illumina
Classification: Likely benign for Krabbe disease due to saposin A deficiency. Last evaluated: 2017-04-27. Review status: criteria provided, single submitter. Criteria: ICSL Variant Classification Criteria 13 December 2019. Collection method: clinical testing. Allele origin: germline.
Comment: the same text as in the submission from Illumina Laboratory Services, Illumina above.

Illumina Laboratory Services, Illumina
Classification: Likely benign for Gaucher disease due to saposin C deficiency. Last evaluated: 2017-04-27. Review status: criteria provided, single submitter. Criteria: ICSL Variant Classification Criteria 13 December 2019. Collection method: clinical testing. Allele origin: germline.
Comment: the same text as in the submission from Illumina Laboratory Services, Illumina above.

Illumina Laboratory Services, Illumina
Classification: Likely benign for Combined PSAP deficiency. Last evaluated: 2017-04-27. Review status: criteria provided, single submitter. Criteria: ICSL Variant Classification Criteria 13 December 2019. Collection method: clinical testing. Allele origin: germline.
Comment: the same text as in the submission from Illumina Laboratory Services, Illumina above.

NM_002778.4(PSAP):c.-29C>T

Gene: PSAP (prosaposin; minus strand). Cytogenetic location: 10q22.1.
Variant type: single nucleotide variant.
Coding change: c.-29C>T on transcript NM_002778.4 (MANE Select); 29 bases upstream of the start codon, C replaced by T.
Molecular consequence: 5 prime UTR variant.
Genome position (GRCh38, 1-based): chr10:71,851,250, G>A on the plus strand (C>T on the coding strand, the complement: PSAP is on the minus strand). VCF-style: chr10-71851250-G-A. GRCh37 (hg19) VCF-style: chr10-73611007-G-A.
Other names: c.-29C>T (NM_001042465.3, NM_001042466.3).
Identifiers: ClinVar variation 300541 (VCV000300541.5), dbSNP rs201780377, ClinGen allele CA5547959.